The following is an entry in ClinVar:

NM_022100.3(MRPS14):c.331T>C (p.Phe111Leu)

Gene: MRPS14 (mitochondrial ribosomal protein S14; minus strand). Cytogenetic location: 1q25.1.
Variant type: single nucleotide variant.
Coding change: c.331T>C on transcript NM_022100.3 (MANE Select); coding-DNA position 331, T replaced by C.
Protein change: p.Phe111Leu; replaces phenylalanine 111 with leucine.
Molecular consequence: missense variant. On other transcripts: non-coding transcript variant (1).
Genome position (GRCh38, 1-based): chr1:175,014,725, A>G on the plus strand (T>C on the coding strand, the complement: MRPS14 is on the minus strand). VCF-style: chr1-175014725-A-G. GRCh37 (hg19) VCF-style: chr1-174983861-A-G.
Other names: c.331T>C (NM_022100.2); short protein forms F111L.
Identifiers: ClinVar variation 2719266 (VCV002719266.4), dbSNP rs376643723, ClinGen allele CA1253626.

ClinVar aggregate classification (germline): Uncertain significance. Review status: criteria provided, multiple submitters, no conflicts (2 of 4 stars). 2 submissions from 2 submitters: Uncertain significance (2). Last evaluated 2024-12-11.

Allele frequency attached by ClinVar (database versions not stated): gnomAD 0.00001; TOPMed 0.00002; ExAC 0.00003; gnomAD exomes 0.00007; ESP Exome Variant Server 0.00008.
gnomAD v4.1: 108 of 1,613,878 alleles (0.0067%); highest among the groups gnomAD compares: Middle Eastern, 0.12%; no homozygotes.

Submissions (2):

Ambry Genetics
Classification: Uncertain significance. Last evaluated: 2024-12-11. Review status: criteria provided, single submitter. Criteria: Ambry Variant Classification Scheme 2023. Collection method: clinical testing. Allele origin: germline.

Labcorp Genetics (formerly Invitae), Labcorp
Classification: Uncertain significance. Last evaluated: 2024-06-03. Review status: criteria provided, single submitter. Criteria: Invitae Variant Classification Sherloc (09022015). Collection method: clinical testing. Allele origin: germline.
Comment: This sequence change replaces phenylalanine, which is neutral and non-polar, with leucine, which is neutral and non-polar, at codon 111 of the MRPS14 protein (p.Phe111Leu). This variant is present in population databases (rs376643723, gnomAD 0.005%). This variant has not been reported in the literature in individuals affected with MRPS14-related conditions. An algorithm developed to predict the effect of missense changes on protein structure and function (PolyPhen-2) suggests that this variant is likely to be disruptive. In summary, the available evidence is currently insufficient to determine the role of this variant in disease. Therefore, it has been classified as a Variant of Uncertain Significance.